The following is an entry in ClinVar:

NM_000057.4(BLM):c.2349_2350del (p.Leu783_Tyr784insTer)

Gene: BLM (BLM RecQ like helicase; plus strand). Cytogenetic location: 15q26.1.
Variant type: Microsatellite.
Coding change: c.2349_2350del on transcript NM_000057.4 (MANE Select); coding-DNA positions 2349 to 2350, 2 bases deleted (CT; older notation c.2349_2350delCT).
Protein change: p.Leu783_Tyr784insTer.
Molecular consequence: frameshift variant.
Genome position (GRCh38, 1-based): chr15:90,769,174-90,769,175, CT deleted; deleting any 2 consecutive bases within chr15:90,769,171-90,769,175 gives the same sequence; the c. name uses the placement nearest the transcript's 3' end. VCF-style (leftmost placement, unchanged base first): chr15-90769170-ATC-A. GRCh37 (hg19) VCF-style: chr15-91312400-ATC-A.
Other names: c.2349_2350delCT (NM_000057.3); c.2349_2350del, p.Leu783_Tyr784insTer (NM_001287246.2, NM_001287247.2); c.1224_1225del, p.Leu408_Tyr409insTer (NM_001287248.2).
Identifiers: ClinVar variation 845042 (VCV000845042.15), dbSNP rs1555420844, ClinGen allele CA916080562.

ClinVar aggregate classification (germline): Pathogenic/Likely pathogenic. Review status: criteria provided, multiple submitters, no conflicts (2 of 4 stars). 4 submissions from 4 submitters: Pathogenic (2); Likely pathogenic (2). Last evaluated 2025-12-02.

Conditions:
Bloom syndrome (BLM). Also called: Bloom-Torre-Machacek syndrome. Identifiers: Orphanet 125, MedGen C0005859, MONDO:0008876, OMIM 210900.

Submissions (4):

Natera, Inc.
Classification: Pathogenic for Bloom syndrome. Last evaluated: 2025-12-02. Review status: criteria provided, single submitter. Criteria: Natera Variant Classification Schema (03/2026). Collection method: clinical testing. Allele origin: germline.
Comment: The c.2349_2350delCT variant in BLM is a frameshift variant predicted to shift the reading frame and introduce a stop codon. This variant is expected to result in nonsense mediated decay, truncation, or a dysfunctional protein product. This variant is rare in the general population with a frequency below the threshold expected for the associated phenotype(s). This variant has been observed in one or more individuals affected with the associated recessive disease, as either homozygous or compound heterozygous with a second variant (PMID: 30936263). Given the available evidence, this variant is classified as Pathogenic.

Labcorp Genetics (formerly Invitae), Labcorp
Classification: Pathogenic for Bloom syndrome. Last evaluated: 2025-10-06. Review status: criteria provided, single submitter. Criteria: Invitae Variant Classification Sherloc (09022015). Collection method: clinical testing. Allele origin: germline.
Comment: This sequence change creates a premature translational stop signal (p.Tyr784*) in the BLM gene. It is expected to result in an absent or disrupted protein product. Loss-of-function variants in BLM are known to be pathogenic (PMID: 17407155). This variant is not present in population databases (gnomAD no frequency). This variant has not been reported in the literature in individuals affected with BLM-related conditions. ClinVar contains an entry for this variant (Variation ID: 845042). For these reasons, this variant has been classified as Pathogenic.

Baylor Genetics
Classification: Likely pathogenic for Bloom syndrome. Last evaluated: 2023-12-13. Review status: criteria provided, single submitter. Criteria: ACMG Guidelines, 2015. Collection method: clinical testing. Allele origin: unknown.

Fulgent Genetics
Classification: Likely pathogenic for Bloom syndrome. Last evaluated: 2021-11-24. Review status: criteria provided, single submitter. Criteria: ACMG Guidelines, 2015. Collection method: clinical testing. Allele origin: unknown.

Literature cited by the submitters: PubMed 30936263 (cited by Natera, Inc.); PubMed 17407155 (cited by Labcorp Genetics (formerly Invitae), Labcorp).